The following is an entry in ClinVar:

NM_178012.5(TUBB2B):c.223T>A (p.Ser75Thr)

Gene: TUBB2B (tubulin beta 2B class IIb; minus strand). Cytogenetic location: 6p25.2.
Variant type: single nucleotide variant.
Coding change: c.223T>A on transcript NM_178012.5 (MANE Select); coding-DNA position 223, T replaced by A.
Protein change: p.Ser75Thr; replaces serine 75 with threonine.
Molecular consequence: missense variant.
Genome position (GRCh38, 1-based): chr6:3,226,213, A>T on the plus strand (T>A on the coding strand, the complement: TUBB2B is on the minus strand). VCF-style: chr6-3226213-A-T. GRCh37 (hg19) VCF-style: chr6-3226447-A-T.
Other names: short protein forms S75T.
Identifiers: ClinVar variation 2053272 (VCV002053272.4), dbSNP rs2533618370, ClinGen allele CA362589661.

ClinVar aggregate classification (germline): Uncertain significance (1 of 4 stars; one submission).

Submission:

Labcorp Genetics (formerly Invitae), Labcorp
Classification: Uncertain significance. Last evaluated: 2023-09-19. Review status: criteria provided, single submitter. Criteria: Invitae Variant Classification Sherloc (09022015). Collection method: clinical testing. Allele origin: germline.
Comment: ClinVar contains an entry for this variant (Variation ID: 2053272). In summary, the available evidence is currently insufficient to determine the role of this variant in disease. Therefore, it has been classified as a Variant of Uncertain Significance. Advanced modeling of protein sequence and biophysical properties (such as structural, functional, and spatial information, amino acid conservation, physicochemical variation, residue mobility, and thermodynamic stability) performed at Invitae indicates that this missense variant is not expected to disrupt TUBB2B protein function. This missense change has been observed in individual(s) with clinical features of TUBB2B-related conditions (Invitae). This variant is not present in population databases (gnomAD no frequency). This sequence change replaces serine, which is neutral and polar, with threonine, which is neutral and polar, at codon 75 of the TUBB2B protein (p.Ser75Thr).